The following is an entry in ClinVar:

NC_000007.14:g.30969869dup

Gene: GHRHR (growth hormone releasing hormone receptor; plus strand). Cytogenetic location: 7p14.3.
Variant type: Duplication.
Genome position: GRCh38 VCF-style: chr7-30969865-A-AG. GRCh37 (hg19) VCF-style: chr7-31009480-A-AG.
Identifiers: ClinVar variation 2418946 (VCV002418946.6), dbSNP rs2535095740, ClinGen allele CA2580077047.
Genomic context (GRCh38, chr7:30,969,865, plus strand): 5'-CCCCAGCCCCCTCCTGGGGAGAGGGAAGGAGTTGTGGCTAGAGAGTCTTGCTTGCCTCCC[A>AG]GGGGCTGTGAAACGGGATTGTACTATCACTGGCTGGTCTGAGCCCTTTCCACCTTACCCT-3'

ClinVar aggregate classification (germline): Pathogenic (1 of 4 stars; one submission).

Submission:

Labcorp Genetics (formerly Invitae), Labcorp
Classification: Pathogenic. Last evaluated: 2025-01-13. Review status: criteria provided, single submitter. Criteria: Invitae Variant Classification Sherloc (09022015). Collection method: clinical testing. Allele origin: germline.
Comment: This sequence change creates a premature translational stop signal (p.Ala91Glyfs*13) in the GHRHR gene. It is expected to result in an absent or disrupted protein product. Loss-of-function variants in GHRHR are known to be pathogenic (PMID: 12444890, 16355809). This variant is not present in population databases (gnomAD no frequency). This premature translational stop signal has been observed in individual(s) with isolated growth hormone deficiency (PMID: 31231873). ClinVar contains an entry for this variant (Variation ID: 2418946). Algorithms developed to predict the effect of sequence changes on RNA splicing suggest that this variant may disrupt the consensus splice site. For these reasons, this variant has been classified as Pathogenic.

Literature cited by the submitters: PubMed 12444890; PubMed 16355809; PubMed 31231873.